The following is an entry in ClinVar:

ClinVar aggregate classification (germline): Pathogenic/Likely pathogenic. Review status: criteria provided, multiple submitters, no conflicts (2 of 4 stars). 3 submissions from 3 submitters: Pathogenic (1); Likely pathogenic (2). Last evaluated 2025-08-21.

Conditions:
Sandhoff disease. Also called: GM2-GANGLIOSIDOSIS, TYPE II; HEXOSAMINIDASES A AND B DEFICIENCY; Beta-hexosaminidase-beta-subunit deficiency; GM2 gangliosidosis, type 2; Total hexosaminidase deficiency; Sandhoff-Jatzkewitz-Pilz disease. Identifiers: Orphanet 796, MedGen C0036161, MONDO:0010006, OMIM 268800.

Submissions (3):

Dasa
Classification: Likely pathogenic for Sandhoff disease. Last evaluated: 2025-08-21. Review status: criteria provided, single submitter. Criteria: DASA Assertion Criteria. Collection method: clinical testing. Allele origin: germline.
Comment: NM_000521.4(HEXB):c.391dup (p.Ile131Asnfs*8) is a frameshift variant in HEXB predicted to alter the reading frame and introduce a premature termination codon and is predicted to result in an absent or altered protein product. Loss of function is an established disease mechanism for HEXB-associated disorders. Also, this variant is rare in population databases. Based on the currently available evidence, this variant is classified as likely pathogenic.

Myriad Genetics, Inc.
Classification: Pathogenic for Sandhoff disease. Last evaluated: 2023-12-25. Review status: criteria provided, single submitter. Criteria: Myriad Autosomal Dominant, Autosomal Recessive and X-Linked Classification Criteria (2023). Collection method: clinical testing. Allele origin: unknown.
Comment: NM_000521.3(HEXB):c.391dupA(I131Nfs*8) is expected to be pathogenic in the context of Sandhoff disease. This variant is predicted to lead to an abnormal or absent protein product due to the creation of a premature termination codon in HEXB, a gene where loss-of-function variants are known to be pathogenic. Please note: this variant was assessed in the context of healthy population screening.

Laboratorio de Genetica e Diagnostico Molecular, Hospital Israelita Albert Einstein
Classification: Likely pathogenic for Sandhoff disease. Last evaluated: 2023-03-17. Review status: criteria provided, single submitter. Criteria: ACMG Guidelines, 2015. Collection method: clinical testing. Allele origin: germline. Affected: yes.
Comment: ACMG classification criteria: PVS1 very strong, PM2 moderate

NM_000521.4(HEXB):c.391dup (p.Ile131fs)

Gene: HEXB (hexosaminidase subunit beta; plus strand). Cytogenetic location: 5q13.3.
Variant type: Duplication.
Coding change: c.391dup on transcript NM_000521.4 (MANE Select); coding-DNA position 391, one base duplicated (A; older notation c.391dupA).
Protein change: p.Ile131fs; shifts the reading frame from isoleucine 131.
Molecular consequence: frameshift variant. On other transcripts: 5 prime UTR variant (1).
Genome position (GRCh38, 1-based): chr5:74,689,419, A duplicated; the last of 2 consecutive A bases (chr5:74,689,418-74,689,419); duplicating either gives the same sequence. VCF-style (leftmost placement, unchanged base first): chr5-74689417-C-CA. GRCh37 (hg19) VCF-style: chr5-73985242-C-CA.
Other names: c.-285dup (NM_001292004.2); short protein forms I131fs.
Identifiers: ClinVar variation 4056611 (VCV004056611.4).